The following is an entry in ClinVar:

NM_001039660.2(IL18BP):c.236-13_236-9del

Gene: IL18BP (interleukin 18 binding protein; plus strand). Cytogenetic location: 11q13.4.
Variant type: Deletion.
Coding change: c.236-13_236-9del on transcript NM_001039660.2 (MANE Select); 13 bases into the intron before coding-DNA position 236 through 9 bases into the intron before coding-DNA position 236, 5 bases deleted (CCTGT; older notation c.236-13_236-9delCCTGT).
Molecular consequence: intron variant.
Genome position (GRCh38, 1-based): chr11:72,001,188-72,001,192, CCTGT deleted. VCF-style (leftmost placement, unchanged base first): chr11-72001187-GCCTGT-G. GRCh37 (hg19) VCF-style: chr11-71712233-GCCTGT-G.
Other names: c.236-13_236-9del (NM_001039659.2, NM_173044.3, NM_005699.3 and 2 more transcripts); c.236-596_236-592del (NM_001145055.1).
Identifiers: ClinVar variation 4767873 (VCV004767873.1).

ClinVar aggregate classification (germline): Uncertain significance (1 of 4 stars; one submission).

Submission:

Labcorp Genetics (formerly Invitae), Labcorp
Classification: Uncertain significance. Last evaluated: 2025-12-01. Review status: criteria provided, single submitter. Criteria: Invitae Variant Classification Sherloc (09022015). Collection method: clinical testing. Allele origin: germline.
Comment: This sequence change falls in intron 2 of the IL18BP gene. It does not directly change the encoded amino acid sequence of the IL18BP protein. This variant is not present in population databases (gnomAD no frequency). This variant has not been reported in the literature in individuals affected with IL18BP-related conditions. Algorithms developed to predict the effect of sequence changes on RNA splicing suggest that this variant may disrupt the consensus splice site. In summary, the available evidence is currently insufficient to determine the role of this variant in disease. Therefore, it has been classified as a Variant of Uncertain Significance.